The following is an entry in ClinVar:

NM_000492.4(CFTR):c.329A>T (p.Asp110Val)

Gene: CFTR (CF transmembrane conductance regulator; plus strand). Cytogenetic location: 7q31.2.
Variant type: single nucleotide variant.
Coding change: c.329A>T on transcript NM_000492.4 (MANE Select); coding-DNA position 329, A replaced by T.
Protein change: p.Asp110Val; replaces aspartic acid 110 with valine.
Molecular consequence: missense variant.
Genome position (GRCh38, 1-based): chr7:117,530,954, A>T. VCF-style: chr7-117530954-A-T. GRCh37 (hg19) VCF-style: chr7-117171008-A-T.
Other names: short protein forms D110V.
Identifiers: ClinVar variation 1729921 (VCV001729921.5), dbSNP rs2485009084, ClinGen allele CA368974389.

ClinVar aggregate classification (germline): Conflicting classifications of pathogenicity. Review status: criteria provided, conflicting classifications (1 of 4 stars). 3 submissions from 3 submitters: Likely pathogenic (2); Uncertain significance (1). Last evaluated 2025-05-01.

Conditions:
CFTR-related disorder (CFTR-RD). Also called: CFTR-related condition; CFTR-related disorders. Identifiers: MedGen C5924204, MONDO:7770004.
Cystic fibrosis (CF). Also called: MUCOVISCIDOSIS. Identifiers: Orphanet 586, MedGen C0010674, MONDO:0009061, OMIM 219700. Disease mechanism: loss of function.

Submissions (3):

Women's Health and Genetics/Laboratory Corporation of America, LabCorp
Classification: Likely pathogenic for Cystic fibrosis. Last evaluated: 2025-05-01. Review status: criteria provided, single submitter. Criteria: LabCorp Variant Classification Summary - May 2015. Collection method: clinical testing. Allele origin: germline.
Comment: Variant summary: CFTR c.329A>T (p.Asp110Val) results in a non-conservative amino acid change located in the ABC transporter type 1, transmembrane domain of the encoded protein sequence. Four of four in-silico tools predict a damaging effect of the variant on protein function. The variant was absent in 251104 control chromosomes. To our knowledge, no occurrence of c.329A>T in individuals affected with Cystic Fibrosis and no experimental evidence demonstrating its impact on protein function have been reported. Three other variants affecting the same codon have been classified as pathogenic by our lab (c.328G>C/p.Asp110His, c.328G>T/p.Asp110Tyr, and c.330C>A/p.Asp110Glu), supporting the critical relevance of codon 110 to CFTR protein function. ClinVar contains an entry for this variant (Variation ID: 1729921). Based on the evidence outlined above, the variant was classified as likely pathogenic.

PreventionGenetics, part of Exact Sciences
Classification: Uncertain significance for CFTR-related condition. Last evaluated: 2022-10-20. Review status: criteria provided, single submitter. Criteria: ACMG Guidelines, 2015. Collection method: clinical testing. Allele origin: germline.
Comment: The CFTR c.329A>T variant is predicted to result in the amino acid substitution p.Asp110Val. To our knowledge, this variant has not been reported in the literature or in a large population database, indicating this variant is rare. At this time, the clinical significance of this variant is uncertain due to the absence of conclusive functional and genetic evidence.

Ambry Genetics
Classification: Likely pathogenic for Cystic fibrosis. Last evaluated: 2018-09-24. Review status: criteria provided, single submitter. Criteria: Ambry Variant Classification Scheme 2023. Collection method: clinical testing. Allele origin: germline.
Comment: The p.D110V variant (also known as c.329A>T), located in coding exon 4 of the CFTR gene, results from an A to T substitution at nucleotide position 329. The aspartic acid at codon 110 is replaced by valine, an amino acid with highly dissimilar properties. A pathogenic variant, p.D110H, has been described in the same codon in an individual with elevated sweat chloride levels and p.F508del confirmed in trans (Dean M et al. Cell, 1990 Jun;61:863-70); functional data showed a reduced level of CFTR protein and reduced chloride activity for p.D110H compared to wild type (Van Goor F et al. J. Cyst. Fibros., 2014 Jan;13:29-36). The p.D110V variant was not reported in population-based cohorts in the Genome Aggregation Database (gnomAD). This amino acid position is highly conserved in available vertebrate species. In addition, this alteration is predicted to be deleterious by in silico analysis. Based on the majority of available evidence to date, this variant is likely to be pathogenic.

Literature cited by the submitters: PubMed 2344617 (cited by Ambry Genetics); PubMed 23891399 (cited by Ambry Genetics).